The following is an entry in ClinVar:

ClinVar aggregate classification (germline): Uncertain significance. Review status: criteria provided, multiple submitters, no conflicts (2 of 4 stars). 5 submissions from 5 submitters: Uncertain significance (4). 1 of the submissions does not count toward it. Last evaluated 2024-12-19.

Conditions:
Centromeric instability of chromosomes 1,9 and 16 and immunodeficiency (ICF1). Also called: IMMUNE DEFICIENCY, VARIABLE, WITH CENTROMERIC INSTABILITY OF CHROMOSOMES 1, 9, AND 16; IMMUNODEFICIENCY SYNDROME, VARIABLE; Immunodeficiency-centromeric instability-facial anomalies; CENTROMERIC INSTABILITY, IMMUNODEFICIENCY SYNDROME. Identifiers: Orphanet 2268, MedGen C0398788, MONDO:0000133.
Immunodeficiency-centromeric instability-facial anomalies syndrome 1 (ICF1). Identifiers: Orphanet 2268, MedGen C4551557, MONDO:0009454, OMIM 242860.

Allele frequency attached by ClinVar (database versions not stated): gnomAD below 0.00001 and 0.00001; TOPMed 0.00003; ESP Exome Variant Server 0.00008; gnomAD exomes 0.00008 and 0.00014; ExAC 0.00018.
gnomAD v4.1: 119 of 1,614,090 alleles (0.0074%); highest among the groups gnomAD compares: South Asian, 0.092%; no homozygotes.

Submissions (5):

Genomic Medicine Center of Excellence, King Faisal Specialist Hospital and Research Centre
Classification: Uncertain significance for Immunodeficiency-centromeric instability-facial anomalies syndrome 1. Last evaluated: 2024-12-19. Review status: criteria provided, single submitter. Criteria: ACMG Guidelines, 2015. Collection method: clinical testing. Allele origin: germline.

Women's Health and Genetics/Laboratory Corporation of America, LabCorp
Classification: Uncertain significance. Last evaluated: 2023-12-05. Review status: criteria provided, single submitter. Criteria: LabCorp Variant Classification Summary - May 2015. Collection method: clinical testing. Allele origin: germline.
Comment: Variant summary: DNMT3B c.1337T>C (p.Phe446Ser) results in a non-conservative amino acid change located in the DNMT3, cysteine rich ADD domain, GATA1-like zinc finger domain (IPR040552) of the encoded protein sequence. Three of five in-silico tools predict a damaging effect of the variant on protein function. The variant allele was found at a frequency of 0.00014 in 251484 control chromosomes. This frequency is not significantly higher than estimated for a pathogenic variant in DNMT3B causing ICF Syndrome, Type 1 (0.00014 vs 0.0011), allowing no conclusion about variant significance. c.1337T>C has been reported in the literature in at least one homozygous individual with a diagnosis of ICF Syndrome (e.g. Alfares_2017). However, this report does not provide unequivocal conclusions about association of the variant with ICF Syndrome, Type 1 due to the uncertainty caused by elevated consanguinity within the study population. To our knowledge, no experimental evidence demonstrating an impact on protein function has been reported. The following publication has been ascertained in the context of this evaluation (PMID: 28454995). Three submitters have cited clinical-significance assessments for this variant to ClinVar after 2014. One classified the variant as likely pathogenic, and two classified the variant as uncertain significance. Based on the evidence outlined above, the variant was classified as uncertain significance.

Labcorp Genetics (formerly Invitae), Labcorp
Classification: Uncertain significance for Centromeric instability of chromosomes 1,9 and 16 and immunodeficiency. Last evaluated: 2022-02-24. Review status: criteria provided, single submitter. Criteria: Invitae Variant Classification Sherloc (09022015). Collection method: clinical testing. Allele origin: germline.
Comment: This sequence change replaces phenylalanine, which is neutral and non-polar, with serine, which is neutral and polar, at codon 446 of the DNMT3B protein (p.Phe446Ser). This variant is present in population databases (rs150736372, gnomAD 0.1%). This missense change has been observed in individual(s) with immunodeficiency-centromeric instability-facial anomalies syndrome (PMID: 28454995). ClinVar contains an entry for this variant (Variation ID: 800927). Algorithms developed to predict the effect of missense changes on protein structure and function output the following: SIFT: "Deleterious"; PolyPhen-2: "Benign"; Align-GVGD: "Class C55". The serine amino acid residue is found in multiple mammalian species, which suggests that this missense change does not adversely affect protein function. In summary, the available evidence is currently insufficient to determine the role of this variant in disease. Therefore, it has been classified as a Variant of Uncertain Significance.

Illumina Laboratory Services, Illumina
Classification: Uncertain significance for Immunodeficiency-centromeric instability-facial anomalies syndrome 1. Last evaluated: 2018-01-12. Review status: criteria provided, single submitter. Criteria: ICSL Variant Classification Criteria 13 December 2019. Collection method: clinical testing. Allele origin: germline.

Biochemical Molecular Genetic Laboratory, King Abdulaziz Medical City
Classification: Likely pathogenic for Immunodeficiency-centromeric instability-facial anomalies syndrome 1. Last evaluated: 2019-09-26. Review status: no assertion criteria provided. Collection method: clinical testing. Allele origin: germline. Affected: yes. Not counted in ClinVar's aggregate classification.

Literature cited by the submitters: PubMed 28454995 (cited by Women's Health and Genetics/Laboratory Corporation of America, LabCorp and Labcorp Genetics (formerly Invitae), Labcorp).

NM_006892.4(DNMT3B):c.1337T>C (p.Phe446Ser)

Gene: DNMT3B (DNA methyltransferase 3 beta; plus strand). Cytogenetic location: 20q11.21.
Variant type: single nucleotide variant.
Coding change: c.1337T>C on transcript NM_006892.4 (MANE Select); coding-DNA position 1337, T replaced by C.
Protein change: p.Phe446Ser; replaces phenylalanine 446 with serine.
Molecular consequence: missense variant.
Genome position (GRCh38, 1-based): chr20:32,796,829, T>C. VCF-style: chr20-32796829-T-C. GRCh37 (hg19) VCF-style: chr20-31384635-T-C.
Other names: c.1151T>C, p.Phe384Ser (NM_001207055.2); c.1049T>C, p.Phe350Ser (NM_001207056.2); c.1277T>C, p.Phe426Ser (NM_175848.2, NM_175849.2); c.1313T>C, p.Phe438Ser (NM_175850.3); short protein forms F438S, F446S, F350S, F384S, F426S.
Identifiers: ClinVar variation 800927 (VCV000800927.13), dbSNP rs150736372, ClinGen allele CA9810529.